The following is an entry in ClinVar:

ClinVar aggregate classification (germline): Likely benign. Review status: criteria provided, multiple submitters, no conflicts (2 of 4 stars). 2 submissions from 2 submitters: Likely benign (2). Last evaluated 2024-10-18.

Conditions:
Occult macular dystrophy (OCMD). Also called: OCCULT MACULAR DYSTROPHY, SUSCEPTIBILITY TO; OMD. Identifiers: Orphanet 247834, MedGen C3150833, MONDO:0013316, OMIM 613587, HP:0030636.

Allele frequency attached by ClinVar (database versions not stated): gnomAD 0.00002; TOPMed 0.00004; ExAC 0.00005; ESP Exome Variant Server 0.00008.
gnomAD v4.1: 49 of 1,612,108 alleles (0.003%); highest among the groups gnomAD compares: South Asian, 0.0044%; no homozygotes.

Submissions (2):

Blueprint Genetics
Classification: Likely benign. Last evaluated: 2024-10-18. Review status: criteria provided, single submitter. Criteria: ACMG Guidelines, 2015. Collection method: clinical testing. Allele origin: germline.

Illumina Laboratory Services, Illumina
Classification: Likely benign for Occult macular dystrophy. Last evaluated: 2018-01-13. Review status: criteria provided, single submitter. Criteria: ICSL Variant Classification Criteria 13 December 2019. Collection method: clinical testing. Allele origin: germline.
Comment: This variant was observed in the ICSL laboratory as part of a predisposition screen in an ostensibly healthy population. It had not been previously curated by ICSL or reported in the Human Gene Mutation Database (HGMD: prior to June 1st, 2018), and was therefore a candidate for classification through an automated scoring system. Utilizing variant allele frequency, disease prevalence and penetrance estimates, and inheritance mode, an automated score was calculated to assess if this variant is too frequent to cause the disease. Based on the score and internal cut-off values, a variant classified as likely benign is not then subjected to further curation. The score for this variant resulted in a classification of likely benign for this disease.

NM_178857.6(RP1L1):c.4674C>T (p.Ala1558=)

Gene: RP1L1 (RP1 like 1). Cytogenetic location: 8p23.1.
Variant type: single nucleotide variant.
Coding change: c.4674C>T on transcript NM_178857.6 (MANE Select); coding-DNA position 4674, C replaced by T.
Protein change: p.Ala1558=; no amino-acid change (alanine 1558 retained).
Molecular consequence: synonymous variant.
Genome position (GRCh38, 1-based): chr8:10,609,424, G>A on the plus strand (C>T on the coding strand, the complement: RP1L1 is on the minus strand). VCF-style: chr8-10609424-G-A. GRCh37 (hg19) VCF-style: chr8-10466934-G-A.
Identifiers: ClinVar variation 911126 (VCV000911126.5), dbSNP rs372744963, ClinGen allele CA4623929.